The following is an entry in ClinVar:

NM_001165963.4(SCN1A):c.1294G>C (p.Ala432Pro)

Gene: SCN1A (sodium voltage-gated channel alpha subunit 1; minus strand). Cytogenetic location: 2q24.3.
Variant type: single nucleotide variant.
Coding change: c.1294G>C on transcript NM_001165963.4 (MANE Select); coding-DNA position 1294, G replaced by C.
Protein change: p.Ala432Pro; replaces alanine 432 with proline.
Molecular consequence: missense variant. On other transcripts: 5 prime UTR variant (1), non-coding transcript variant (1).
Genome position (GRCh38, 1-based): chr2:166,046,853, C>G on the plus strand (G>C on the coding strand, the complement: SCN1A is on the minus strand). VCF-style: chr2-166046853-C-G. GRCh37 (hg19) VCF-style: chr2-166903363-C-G.
Other names: c.1294G>C, p.Ala432Pro (NM_001353958.2, NM_001353960.2, NM_006920.6 and 10 more transcripts); c.-1132G>C (NM_001353961.2); c.1294G>C (NM_001165963.1); short protein forms A432P.
Identifiers: ClinVar variation 1065178 (VCV001065178.7), dbSNP rs1697892980, ClinGen allele CA349070704.
Genomic context (GRCh38, chr2:166,046,853, plus strand): 5'-TAAGCTGTTCAATCATCTGCTGAAATTCGGCCTCTTTCTGTTCTGCTTCTTCCAAGGTGG[C>G]CTGATTCTGTTCCTCGTAGGCCATGGCCACCACAGCCAGGATCAAATTTATTAGGTAGAA-3'
Protein context (NP_001159435.1, residues 422-442): VAMAYEEQNQ[Ala432Pro]TLEEAEQKEA

ClinVar aggregate classification (germline): Conflicting classifications of pathogenicity. Review status: criteria provided, conflicting classifications (1 of 4 stars). 3 submissions from 3 submitters: Pathogenic (1); Likely pathogenic (1); Uncertain significance (1). Last evaluated 2023-04-09.

Conditions:
Early-infantile DEE. Also called: Ohtahara syndrome; Early infantile epileptic encephalopathy; Early infantile epileptic encephalopathy with suppression bursts. Identifiers: Orphanet 1934, MedGen C0393706, MONDO:0800491.
Epilepsy. Also called: Seizure disorder. Identifiers: MedGen C0014544, MeSH D004827, MONDO:0005027.

Submissions (3):

Labcorp Genetics (formerly Invitae), Labcorp
Classification: Uncertain significance for Early-infantile DEE. Last evaluated: 2023-04-09. Review status: criteria provided, single submitter. Criteria: Invitae Variant Classification Sherloc (09022015). Collection method: clinical testing. Allele origin: germline.
Comment: This variant has not been reported in the literature in individuals affected with SCN1A-related conditions. This variant is not present in population databases (gnomAD no frequency). This sequence change replaces alanine, which is neutral and non-polar, with proline, which is neutral and non-polar, at codon 432 of the SCN1A protein (p.Ala432Pro). ClinVar contains an entry for this variant (Variation ID: 1065178). In summary, the available evidence is currently insufficient to determine the role of this variant in disease. Therefore, it has been classified as a Variant of Uncertain Significance. Advanced modeling of protein sequence and biophysical properties (such as structural, functional, and spatial information, amino acid conservation, physicochemical variation, residue mobility, and thermodynamic stability) performed at Invitae indicates that this missense variant is not expected to disrupt SCN1A protein function.

GeneDx
Classification: Pathogenic. Last evaluated: 2022-12-07. Review status: criteria provided, single submitter. Criteria: GeneDx Variant Classification Process June 2021. Collection method: clinical testing. Allele origin: germline. Affected: yes.
Comment: Not observed at significant frequency in large population cohorts (gnomAD); Missense variants in this gene are often considered pathogenic (HGMD); In silico analysis supports that this missense variant has a deleterious effect on protein structure/function; Has not been previously published as pathogenic or benign to our knowledge; This substitution is predicted to be in the cytoplasmic loop between the first and second homologous domains; This variant is associated with the following publications: (PMID: 27236449)

Centre for Inherited Metabolic Diseases, Karolinska University Hospital
Classification: Likely pathogenic for Epilepsy. Last evaluated: 2021-04-25. Review status: criteria provided, single submitter. Criteria: ACMG Guidelines, 2015. Collection method: clinical testing. Allele origin: germline. Inheritance: Autosomal dominant inheritance. Affected: yes. Observed: 1 heterozygote.
Comment: Seizures not febrile triggered